The following is an entry in ClinVar:

ClinVar aggregate classification (germline): Uncertain significance (1 of 4 stars; one submission).

Conditions:
Hereditary cancer-predisposing syndrome. Also called: Neoplastic Syndromes, Hereditary; Tumor predisposition; Hereditary Cancer Syndrome; Hereditary neoplastic syndrome. Identifiers: Orphanet 140162, MedGen C0027672, MeSH D009386, MONDO:0015356.

Submissions (2):

Color Diagnostics, LLC DBA Color Health
Classification: Uncertain significance for Hereditary cancer-predisposing syndrome. Last evaluated: 2024-08-27. Review status: criteria provided, single submitter. Criteria: ACMG Guidelines, 2015. Collection method: clinical testing. Allele origin: germline.
Comment: This missense variant replaces methionine with isoleucine at codon 18 of the BRCA1 protein. Computational prediction is inconclusive regarding the impact of this variant on protein structure and function. Functional studies have reported that this variant does not impact BRCA1 function in a haploid cell proliferation assay and a BARD1 interaction assay (PMID: 30209399, 35659930). To our knowledge, this variant has not been reported in individuals affected with BRCA1-related disorders in the literature. Three other missense variants at this protein position, p.Met18Thr/Lys/Arg, have been reported as (likely) disease-causing in ClinVar (variation ID: 37664, 55559, 531241). This variant has not been identified in the general population by the Genome Aggregation Database (gnomAD). The available evidence is insufficient to determine the role of this variant in disease conclusively. Therefore, this variant is classified as a Variant of Uncertain Significance.

Brotman Baty Institute, University of Washington
No classification provided (evidence only). Condition: Breast-ovarian cancer, familial 1. Review status: no classification provided. Collection method: in vitro. Allele origin: not applicable. Functional consequence: functionally_normal. Not counted in ClinVar's aggregate classification.
ClinVar note: "not provided" was previously submitted as the classification for the variant. However, the classification appeared to be based only on an observation of functional data so it was converted to no classification on 2025-07-30.

Literature cited by the submitters: PubMed 30209399 (cited by Color Diagnostics, LLC DBA Color Health); PubMed 35659930 (cited by Color Diagnostics, LLC DBA Color Health).

NM_007294.4(BRCA1):c.54G>T (p.Met18Ile)

Gene: BRCA1 (BRCA1 DNA repair associated; minus strand). Cytogenetic location: 17q21.31.
Variant type: single nucleotide variant.
Coding change: c.54G>T on transcript NM_007294.4 (MANE Select); coding-DNA position 54, G replaced by T.
Protein change: p.Met18Ile; replaces methionine 18 with isoleucine.
Molecular consequence: missense variant. On other transcripts: 5 prime UTR variant (1), non-coding transcript variant (1).
Genome position (GRCh38, 1-based): chr17:43,124,043, C>A on the plus strand (G>T on the coding strand, the complement: BRCA1 is on the minus strand). VCF-style: chr17-43124043-C-A. GRCh37 (hg19) VCF-style: chr17-41276060-C-A.
Other names: c.-135G>T (NM_001407571.1, NM_001407853.1, NM_001407879.1 and 46 more transcripts); c.54G>T, p.Met18Ile (NM_001407581.1, NM_001407582.1, NM_001407583.1 and 193 more transcripts); c.-204G>T (NM_001407694.1, NM_001407724.1, NM_001407727.1 and 11 more transcripts); c.-208G>T (NM_001407695.1, NM_001408465.1); c.-349G>T (NM_001407696.1); c.-233G>T (NM_001407697.1, NM_001407846.1, NM_001407920.1); c.-34G>T (NM_001407698.1, NM_001407732.1, NM_001407736.1 and 23 more transcripts); c.-207G>T (NM_001407725.1, NM_001407730.1, NM_001407734.1 and 22 more transcripts); and 8 more; short protein forms M18I.
Identifiers: ClinVar variation 867724 (VCV000867724.4), dbSNP rs1597923450, ClinGen allele CA10602049.